The following is an entry in ClinVar:

NM_022166.4(XYLT1):c.440G>A (p.Arg147Gln)

Genes: XYLT1 (xylosyltransferase 1; minus strand), LOC130058566 (ATAC-STARR-seq lymphoblastoid active region 10505; plus strand). Cytogenetic location: 16p12.3.
Variant type: single nucleotide variant.
Coding change: c.440G>A on transcript NM_022166.4 (MANE Select); coding-DNA position 440, G replaced by A.
Protein change: p.Arg147Gln; replaces arginine 147 with glutamine.
Molecular consequence: missense variant.
Genome position (GRCh38, 1-based): chr16:17,259,461, C>T on the plus strand (G>A on the coding strand, the complement: XYLT1 is on the minus strand). VCF-style: chr16-17259461-C-T. GRCh37 (hg19) VCF-style: chr16-17353318-C-T.
Other names: short protein forms R147Q.
Identifiers: ClinVar variation 1345629 (VCV001345629.4), dbSNP rs150531859, ClinGen allele CA7928193.

ClinVar aggregate classification (germline): Uncertain significance. Review status: criteria provided, multiple submitters, no conflicts (2 of 4 stars). 2 submissions from 2 submitters: Uncertain significance (2). Last evaluated 2024-03-01.

Conditions:
Desbuquois dysplasia 1 (DBQD1). Also called: MICROMELIC DWARFISM WITH VERTEBRAL AND METAPHYSEAL ABNORMALITIES AND ADVANCED CARPOTARSAL OSSIFICATION; DESBUQUOIS DYSPLASIA 1, KIM VARIANT. Identifiers: Orphanet 1425, MedGen C4012146, MONDO:0009629, OMIM 251450.

Allele frequency attached by ClinVar (database versions not stated): gnomAD 0.00014 and 0.00015; gnomAD exomes 0.00017; ExAC 0.00019; 1000 Genomes Project 0.00040; ESP Exome Variant Server 0.00046; 1000 Genomes Project 30x 0.00047.
gnomAD v4.1: 571 of 1,611,844 alleles (0.035%); highest among the groups gnomAD compares: Non-Finnish European, 0.046%; no homozygotes.

Submissions (2):

Blueprint Genetics
Classification: Uncertain significance. Last evaluated: 2024-03-01. Review status: criteria provided, single submitter. Criteria: ACMG Guidelines, 2015. Collection method: clinical testing. Allele origin: germline.

Labcorp Genetics (formerly Invitae), Labcorp
Classification: Uncertain significance for Desbuquois dysplasia 1. Last evaluated: 2022-08-16. Review status: criteria provided, single submitter. Criteria: Invitae Variant Classification Sherloc (09022015). Collection method: clinical testing. Allele origin: germline.
Comment: This sequence change replaces arginine, which is basic and polar, with glutamine, which is neutral and polar, at codon 147 of the XYLT1 protein (p.Arg147Gln). This variant is present in population databases (rs150531859, gnomAD 0.03%). This missense change has been observed in individual(s) with developmental disorder (PMID: 31785789). This variant is also known as 16:17353318:C:T. ClinVar contains an entry for this variant (Variation ID: 1345629). Algorithms developed to predict the effect of missense changes on protein structure and function are either unavailable or do not agree on the potential impact of this missense change (SIFT: "Tolerated"; PolyPhen-2: "Possibly Damaging"; Align-GVGD: "Class C0"). In summary, the available evidence is currently insufficient to determine the role of this variant in disease. Therefore, it has been classified as a Variant of Uncertain Significance.

Literature cited by the submitters: PubMed 31785789 (cited by Labcorp Genetics (formerly Invitae), Labcorp).